The following is an entry in ClinVar:

ClinVar aggregate classification (germline): Benign (1 of 4 stars; one submission).

Submission:

Mayo Clinic Laboratories, Mayo Clinic
Classification: Benign. Last evaluated: 2023-03-06. Review status: criteria provided, single submitter. Criteria: ACMG Guidelines, 2015. Collection method: clinical testing. Allele origin: germline. Observed: 5 variant alleles.
Comment: BA1

NM_021619.3(PRDM12):c.1074_1075insCGC (p.Ala358_Ala359insArg)

Gene: PRDM12 (PR/SET domain 12; plus strand). Cytogenetic location: 9q34.12.
Variant type: Insertion.
Coding change: c.1074_1075insCGC on transcript NM_021619.3 (MANE Select); coding-DNA positions 1074 to 1075, CGC inserted.
Protein change: p.Ala358_Ala359insArg.
Molecular consequence: inframe insertion.
Genome position: GRCh38 VCF-style: chr9-130681638-C-CCCG. GRCh37 (hg19) VCF-style: chr9-133557025-C-CCCG.
Other names: p.Ala358_Ala359insArg.
Identifiers: ClinVar variation 4683442 (VCV004683442.1).